The following is an entry in ClinVar:

ClinVar aggregate classification (germline): Uncertain significance (1 of 4 stars; one submission).

Submission:

GeneDx
Classification: Uncertain significance. Last evaluated: 2026-03-09. Review status: criteria provided, single submitter. Criteria: GeneDx Variant Classification Process June 2021. Collection method: clinical testing. Allele origin: germline.
Comment: Not observed at significant frequency in large population cohorts (gnomAD); In silico analysis supports that this missense variant has a deleterious effect on protein structure/function; Has not been previously published as pathogenic or benign to our knowledge

NM_001130438.3(SPTAN1):c.2020C>T (p.Leu674Phe)

Gene: SPTAN1 (spectrin alpha, non-erythrocytic 1; plus strand). Cytogenetic location: 9q34.11.
Variant type: single nucleotide variant.
Coding change: c.2020C>T on transcript NM_001130438.3 (MANE Select); coding-DNA position 2020, C replaced by T.
Protein change: p.Leu674Phe; replaces leucine 674 with phenylalanine.
Molecular consequence: missense variant.
Genome position (GRCh38, 1-based): chr9:128,583,796, C>T. VCF-style: chr9-128583796-C-T. GRCh37 (hg19) VCF-style: chr9-131346075-C-T.
Other names: c.2020C>T, p.Leu674Phe (NM_001195532.2, NM_001363759.2, NM_001363765.2 and 10 more transcripts); c.2056C>T, p.Leu686Phe (NM_001375312.2, NM_001375318.1, NM_001438440.1); short protein forms L674F, L686F.
Identifiers: ClinVar variation 5008864 (VCV005008864.1).